The following is an entry in ClinVar:

NM_000170.3(GLDC):c.89G>T (p.Trp30Leu)

Gene: GLDC (glycine decarboxylase; minus strand). Cytogenetic location: 9p24.1.
Variant type: single nucleotide variant.
Coding change: c.89G>T on transcript NM_000170.3 (MANE Select); coding-DNA position 89, G replaced by T.
Protein change: p.Trp30Leu; replaces tryptophan 30 with leucine.
Molecular consequence: missense variant.
Genome position (GRCh38, 1-based): chr9:6,645,411, C>A on the plus strand (G>T on the coding strand, the complement: GLDC is on the minus strand). VCF-style: chr9-6645411-C-A. GRCh37 (hg19) VCF-style: chr9-6645411-C-A.
Other names: short protein forms W30L.
Identifiers: ClinVar variation 2017013 (VCV002017013.4), dbSNP rs1819724531, ClinGen allele CA372887210.

ClinVar aggregate classification (germline): Uncertain significance (1 of 4 stars; one submission).

Conditions:
Glycine encephalopathy. Also called: Nonketotic hyperglycinemia; Non-ketotic hyperglycinemia. Identifiers: Orphanet 407, MedGen C0751748, MONDO:0011612, HP:0008288.

Allele frequency attached by ClinVar (database versions not stated): gnomAD exomes below 0.00001.
gnomAD v4.1: 1 of 1,412,474 alleles (0.000071%); highest among the groups gnomAD compares: Non-Finnish European, 0.000092%; no homozygotes.

Submission:

Labcorp Genetics (formerly Invitae), Labcorp
Classification: Uncertain significance for Glycine encephalopathy. Last evaluated: 2022-07-19. Review status: criteria provided, single submitter. Criteria: Invitae Variant Classification Sherloc (09022015). Collection method: clinical testing. Allele origin: germline.
Comment: In summary, the available evidence is currently insufficient to determine the role of this variant in disease. Therefore, it has been classified as a Variant of Uncertain Significance. Advanced modeling of protein sequence and biophysical properties (such as structural, functional, and spatial information, amino acid conservation, physicochemical variation, residue mobility, and thermodynamic stability) performed at Invitae indicates that this missense variant is not expected to disrupt GLDC protein function. This variant has not been reported in the literature in individuals affected with GLDC-related conditions. This variant is not present in population databases (gnomAD no frequency). This sequence change replaces tryptophan, which is neutral and slightly polar, with leucine, which is neutral and non-polar, at codon 30 of the GLDC protein (p.Trp30Leu).